The following is an entry in ClinVar:

NM_000492.4(CFTR):c.1234_1238del (p.Ala412fs)

Genes: CFTR-AS1 (CFTR antisense RNA 1; minus strand), CFTR (CF transmembrane conductance regulator; plus strand). Cytogenetic location: 7q31.2.
Variant type: Deletion.
Coding change: c.1234_1238del on transcript NM_000492.4 (MANE Select); coding-DNA positions 1234 to 1238, 5 bases deleted (GCAAA; older notation c.1234_1238delGCAAA).
Protein change: p.Ala412fs; shifts the reading frame from alanine 412.
Molecular consequence: frameshift variant.
Genome position (GRCh38, 1-based): chr7:117,548,665-117,548,669, GCAAA deleted; deleting any 5 consecutive bases within chr7:117,548,662-117,548,669 gives the same sequence; the c. name uses the placement nearest the transcript's 3' end. VCF-style (leftmost placement, unchanged base first): chr7-117548661-GAAAGC-G. GRCh37 (hg19) VCF-style: chr7-117188715-GAAAGC-G.
Other names: c.1234_1238delGCAAA (NM_000492.4, NM_000492.3); short protein forms A412fs.
Identifiers: ClinVar variation 281173 (VCV000281173.19), dbSNP rs3034796, ClinGen allele CA10603814.

ClinVar aggregate classification (germline): Pathogenic. Review status: criteria provided, multiple submitters, no conflicts (2 of 4 stars). 7 submissions from 7 submitters: Pathogenic (7). Last evaluated 2024-11-19.

Conditions:
CFTR-related disorder (CFTR-RD). Also called: CFTR-related disorders; CFTR-related condition. Identifiers: MedGen C5924204, MONDO:7770004.
Hereditary pancreatitis (PCTT). Also called: Hereditary chronic pancreatitis; PRSS1-Related Hereditary Pancreatitis. Identifiers: Orphanet 676, MedGen C0238339, MONDO:0008185, OMIM 167800.
Cystic fibrosis (CF). Also called: MUCOVISCIDOSIS. Identifiers: Orphanet 586, MedGen C0010674, MONDO:0009061, OMIM 219700. Disease mechanism: loss of function.

Submissions (7):

Natera, Inc.
Classification: Pathogenic for CFTR-related disorders. Last evaluated: 2024-11-19. Review status: criteria provided, single submitter. Criteria: Natera Variant Classification Schema (03/2026). Collection method: clinical testing. Allele origin: germline.
Comment: The c.1234_1238delGCAAA variant in CFTR is a frameshift variant predicted to shift the reading frame beginning at codon 412 and leads to a stop codon 4 codons downstream. This variant is expected to result in nonsense mediated decay, truncation, or a dysfunctional protein product. This variant is rare in the general population with a frequency below the threshold expected for the associated phenotype(s). This variant has been observed in one or more individuals affected with the associated recessive disease, as either homozygous or compound heterozygous with a second variant (PMID: 30996306). Given the available evidence, this variant is classified as Pathogenic.

Labcorp Genetics (formerly Invitae), Labcorp
Classification: Pathogenic for Cystic fibrosis. Last evaluated: 2023-08-14. Review status: criteria provided, single submitter. Criteria: Invitae Variant Classification Sherloc (09022015). Collection method: clinical testing. Allele origin: germline.
Comment: This variant is also known as 1234delGCAAA. For these reasons, this variant has been classified as Pathogenic. ClinVar contains an entry for this variant (Variation ID: 281173). This premature translational stop signal has been observed in individual(s) with cystic fibrosis (PMID: 30996306). The frequency data for this variant in the population databases is considered unreliable, as metrics indicate poor data quality at this position in the gnomAD database. This sequence change creates a premature translational stop signal (p.Ala412Thrfs*4) in the CFTR gene. It is expected to result in an absent or disrupted protein product. Loss-of-function variants in CFTR are known to be pathogenic (PMID: 1695717, 7691345, 9725922).

Mendelics
Classification: Pathogenic. Last evaluated: 2023-03-30. Review status: criteria provided, single submitter. Criteria: Mendelics Assertion Criteria 2019. Collection method: clinical testing. Allele origin: germline.

Women's Health and Genetics/Laboratory Corporation of America, LabCorp
Classification: Pathogenic for Cystic fibrosis. Last evaluated: 2022-01-15. Review status: criteria provided, single submitter. Criteria: LabCorp Variant Classification Summary - May 2015. Collection method: clinical testing. Allele origin: germline.
Comment: Variant summary: CFTR c.1234_1238delGCAAA (p.Ala412ThrfsX4) results in a premature termination codon, predicted to cause a truncation of the encoded protein or absence of the protein due to nonsense mediated decay, which are commonly known mechanisms for disease. Truncations downstream of this position have been classified as pathogenic by our laboratory. The variant was absent in 247310 control chromosomes. c.1234_1238delGCAAA has been reported in the literature in individuals affected with Cystic Fibrosis (example, Pereira_2019, da Silva Filho_2021). To our knowledge, no experimental evidence demonstrating an impact on protein function has been reported. Four clinical diagnostic laboratories have submitted clinical-significance assessments for this variant to ClinVar after 2014 without evidence for independent evaluation. All laboratories classified the variant as pathogenic. Based on the evidence outlined above, the variant was classified as pathogenic.

Genomic Research Center, Shahid Beheshti University of Medical Sciences
Classification: Pathogenic. Last evaluated: 2020-05-03. Review status: criteria provided, single submitter. Criteria: ACMG Guidelines, 2015. Collection method: clinical testing. Allele origin: unknown. Affected: no.

Centre for Mendelian Genomics, University Medical Centre Ljubljana
Classification: Pathogenic for Hereditary pancreatitis. Last evaluated: 2020-04-01. Review status: criteria provided, single submitter. Criteria: ACMG Guidelines, 2015. Collection method: clinical testing. Allele origin: unknown. Affected: yes.
Comment: This variant was classified as: Pathogenic. The following ACMG criteria were applied in classifying this variant: PVS1,PS4_Mod,PM1,PM2.

Eurofins Ntd Llc (ga)
Classification: Pathogenic. Last evaluated: 2016-09-22. Review status: criteria provided, single submitter. Criteria: EGL Classification Definitions 2015. Collection method: clinical testing. Allele origin: germline. Observed: 2 variant alleles, 1 heterozygote.

Literature cited by the submitters: PubMed 30996306 (cited by 3 submitters); PubMed 1695717 (cited by Labcorp Genetics (formerly Invitae), Labcorp); PubMed 7691345 (cited by Labcorp Genetics (formerly Invitae), Labcorp); PubMed 9725922 (cited by Labcorp Genetics (formerly Invitae), Labcorp); PubMed 32819855 (cited by Women's Health and Genetics/Laboratory Corporation of America, LabCorp).